The following is an entry in ClinVar:

NM_000218.3(KCNQ1):c.332A>G (p.Tyr111Cys)

Gene: KCNQ1 (potassium voltage-gated channel subfamily Q member 1; plus strand). Cytogenetic location: 11p15.5.
Variant type: single nucleotide variant.
Coding change: c.332A>G on transcript NM_000218.3 (MANE Select); coding-DNA position 332, A replaced by G.
Protein change: p.Tyr111Cys; replaces tyrosine 111 with cysteine.
Molecular consequence: missense variant.
Genome position (GRCh38, 1-based): chr11:2,445,430, A>G. VCF-style: chr11-2445430-A-G. GRCh37 (hg19) VCF-style: chr11-2466660-A-G.
Other names: p.Y111C:TAC>TGC; c.332A>G (LRG_287t1); short protein forms Y111C.
Identifiers: ClinVar variation 53035 (VCV000053035.37), dbSNP rs199472678, ClinGen allele CA006810.

ClinVar aggregate classification (germline): Pathogenic. Review status: criteria provided, multiple submitters, no conflicts (2 of 4 stars). 9 submissions from 9 submitters: Pathogenic (8). 1 of the submissions does not count toward it. Last evaluated 2026-08-01.

Conditions:
KCNQ1-related disorder. Also called: KCNQ1-related condition; KCNQ1-related disorders. Identifiers: MedGen CN239322.
Cardiovascular phenotype. Identifiers: MedGen CN230736.
Familial long QT syndrome (RWS). Also called: Congenital long QT syndrome; Romano-Ward syndrome; VENTRICULAR FIBRILLATION WITH PROLONGED QT INTERVAL. Identifiers: Orphanet 768, MedGen C1141890, MONDO:0019171.
Long QT syndrome (LQTS). Identifiers: MedGen C0023976, MeSH D008133, MONDO:0002442. Disease mechanism: loss of function. Inheritance: Various modes of inheritance.
Long QT syndrome 1 (LQT1). Identifiers: Orphanet 101016, Orphanet 768, MedGen C4551647, MONDO:0100316, OMIM 192500, MONDO:0008646.

Allele frequency attached by ClinVar (database versions not stated): ExAC 0.00002; gnomAD exomes below 0.00001 and 0.00001.
gnomAD v4.1: 5 of 1,597,746 alleles (0.00031%); highest among the groups gnomAD compares: Non-Finnish European, 0.00034%; no homozygotes.

Submissions (9):

CeGaT Center for Human Genetics Tuebingen
Classification: Pathogenic. Last evaluated: 2026-08-01. Review status: criteria provided, single submitter. Criteria: CeGaT Center For Human Genetics Tuebingen Variant Classification Criteria Version 2. Collection method: clinical testing. Allele origin: germline. Affected: yes. Observed: 4 variant alleles.
Comment: KCNQ1: PP1:Strong, PM1, PM2, PS4:Moderate, PP2, PP3, PS3:Supporting

Labcorp Genetics (formerly Invitae), Labcorp
Classification: Pathogenic for Long QT syndrome. Last evaluated: 2025-10-27. Review status: criteria provided, single submitter. Criteria: Invitae Variant Classification Sherloc (09022015). Collection method: clinical testing. Allele origin: germline.
Comment: This sequence change replaces tyrosine, which is neutral and polar, with cysteine, which is neutral and slightly polar, at codon 111 of the KCNQ1 protein (p.Tyr111Cys). This variant is present in population databases (rs199472678, gnomAD 0.002%). This missense change has been observed in individual(s) with Jervell and Lange-Nielsen syndrome and/or long QT syndrome (PMID: 10973849, 20031635, 21129503, 22539601). It has also been observed to segregate with disease in related individuals. ClinVar contains an entry for this variant (Variation ID: 53035). Invitae Evidence Modeling of protein sequence and biophysical properties (such as structural, functional, and spatial information, amino acid conservation, physicochemical variation, residue mobility, and thermodynamic stability) indicates that this missense variant is expected to disrupt KCNQ1 protein function with a positive predictive value of 95%. Experimental studies have shown that this missense change affects KCNQ1 function (PMID: 17053194, 19114714, 29532034). For these reasons, this variant has been classified as Pathogenic.

Ambry Genetics
Classification: Pathogenic for Cardiovascular phenotype. Last evaluated: 2025-03-18. Review status: criteria provided, single submitter. Criteria: Ambry Variant Classification Scheme 2023. Collection method: clinical testing. Allele origin: germline.
Comment: The p.Y111C pathogenic mutation (also known as c.332A>G), located in coding exon 1 of the KCNQ1 gene, results from an A to G substitution at nucleotide position 332. The tyrosine at codon 111 is replaced by cysteine, an amino acid with highly dissimilar properties. This mutation has been reported in numerous individuals with long QT syndrome and is a founder mutation in the Swedish population (Splawski I et al. Circulation, 2000 Sep;102:1178-85; Dahim&egrave;ne S et al. Circ. Res., 2006 Nov;99:1076-83; Winbo A et al. Circ Cardiovasc Genet, 2009 Dec;2:558-64; Winbo A et al. Europace, 2012 Dec;14:1799-806; Stattin EL et al. BMC Cardiovasc Disord, 2012 Oct;12:95). In addition, this mutation was identified in the homozygous state in an individual with Jervell and Lange-Nielsen Syndrome (Winbo A et al. Circ Arrhythm Electrophysiol, 2015 Aug;8:806-14). Functional studies have demonstrated that this mutation results in no cell surface expression or potassium current, with the protein retained in the endoplasmic reticulum (Peroz D et al. J. Biol. Chem., 2009 Feb;284:5250-6; Dahim&egrave;ne S et al. Circ. Res., 2006 Nov;99:1076-83). This amino acid position is highly conserved in available vertebrate species. In addition, this alteration is predicted to be deleterious by in silico analysis. Based on the supporting evidence, this alteration is interpreted as a disease-causing mutation.

Victorian Clinical Genetics Services, Murdoch Childrens Research Institute
Classification: Pathogenic for Long QT syndrome 1. Last evaluated: 2024-10-09. Review status: criteria provided, single submitter. Criteria: ACMG Guidelines, 2015. Collection method: clinical testing. Allele origin: germline. Inheritance: Autosomal dominant inheritance. Affected: yes.
Comment: Based on the classification scheme VCGS_Germline_v1.3.4, this variant is classified as Pathogenic. Following criteria are met: 0103 - Dominant negative, loss of function and gain of function are known mechanisms of disease in this gene. Gain of function variants result exclusively in short QT syndrome 2 (MIM#609621), while dominant negative and loss of function variants can cause long QT syndrome 1 (LQTS, MIM#192500), familial atrial fibrillation 3 (MIM#607554) as well as Jervell and Lange-Nielsen syndrome (JLNS, MIM#220400) (OMIM, PMIDs: 19632626, 28438721). (I) 0108 - This gene is known to be associated with both recessive and dominant disease. JLNS is characterised by congenital, bilateral deafness and variable degrees of QT prolongation, and is the only condition caused by biallelic variants (PMID: 28438721). (I) 0112 - The condition associated with this gene has incomplete penetrance (OMIM, PMID: 20301308). (I) 0200 - Variant is predicted to result in a missense amino acid change from tyrosine to cysteine. (I) 0251 - This variant is heterozygous. (I) 0304 - Variant is present in gnomAD (v4) <0.01 (5 heterozygotes, 0 homozygotes). (SP) 0501 - Missense variant consistently predicted to be damaging by multiple in silico tools or highly conserved with a major amino acid change. (SP) 0602 - Variant is located in a hotspot region or cluster of pathogenic variants. Pathogenic missense variants are seen to cluster in the juxtamembranous region just preceding the first transmembrane domain (PMID:17053194, DECIPHER). (SP) 0704 - Another missense variant comparable to the one identified in this case has limited previous evidence for pathogenicity. p.(Tyr111Ser) has been reported once as likely pathogenic (ClinVar). (SP) 0801 - This variant has strong previous evidence of pathogenicity in unrelated individuals. This variant has been classified as pathogenic by five clinical testing laboratories (ClinVar) and has been reported in many individuals with LQTS. Additionally, this variant has been referred to as a founder variant in the Swedish population; however, it has also been reported in non-Swedish individuals (PMIDs: 20031635, 25929701, 23158531). (SP) 1002 - This variant has moderate functional evidence supporting abnormal protein function. In vitro analysis demonstrates this variant exerts a dominant negative effect that results in a channel trafficking defect (PMID:17053194). (SP) 1208 - Inheritance information for this variant is not currently available in this individual. (I) Legend: (SP) - Supporting pathogenic, (I) - Information, (SB) - Supporting benign

Blueprint Genetics
Classification: Pathogenic for KCNQ1-related disorders. Last evaluated: 2024-07-02. Review status: criteria provided, single submitter. Criteria: ACMG Guidelines, 2015. Collection method: clinical testing. Allele origin: germline. Affected: yes. Observed: 5 variant alleles.

Molecular Diagnostic Laboratory for Inherited Cardiovascular Disease, Montreal Heart Institute
Classification: Pathogenic for Cardiovascular phenotype. Last evaluated: 2024-03-11. Review status: criteria provided, single submitter. Criteria: ACMG Guidelines, 2015. Collection method: clinical testing. Allele origin: germline. Affected: yes.
Comment: PS4, PP1_strong, PS3_mod, PM2, PM1_supp, PP2, PP3, PP5

GeneDx
Classification: Pathogenic. Last evaluated: 2022-08-10. Review status: criteria provided, single submitter. Criteria: GeneDx Variant Classification Process June 2021. Collection method: clinical testing. Allele origin: germline. Affected: yes.
Comment: Haplotype analysis was performed using a cohort of 26 Swedish probands, 21 family members, and 84 healthy controls; the authors concluded the Y111C variant originated 600 years ago in the Northern River Valley population (Winbo et al., 2011); Identified in numerous patients referred for LQTS genetic testing at GeneDx; Not observed at a significant frequency in large population cohorts (gnomAD); In silico analysis, which includes protein predictors and evolutionary conservation, supports a deleterious effect; Functional studies have demonstrated that Y111C, which is located in the N-terminal region of the protein, alters a motif that plays a key role in intracellular trafficking of the potassium channel, thus trapping the protein in the endoplasmic reticulum and rendering the channels inactive (Dahimene et al., 2006; Peroz et al., 2009, Winbo et al., 2009; Lee et al., 2020); This variant is associated with the following publications: (PMID: 19008479, 23098067, 27936942, 30847666, 24052033, 19114714, 17053194, 19716085, 20031635, 10973849, 28720088, 30571187, 26019114, 22581653, 22539601, 29532034, 21129503, 29270100, 32383558, 32173736, 33963564, 34761968, 34505893)

Stanford Center for Inherited Cardiovascular Disease, Stanford University
Classification: Pathogenic. Last evaluated: 2013-11-13. Review status: criteria provided, single submitter. Criteria: ACMG Guidelines, 2015. Collection method: provider interpretation. Allele origin: germline.

Cardiovascular Biomedical Research Unit, Royal Brompton & Harefield NHS Foundation Trust
No classification provided. Condition: Familial long QT syndrome. Review status: no classification provided. Collection method: literature only. Allele origin: germline. Not counted in ClinVar's aggregate classification.
Comment: This variant has been reported as associated with Long QT syndrome in the following publications (PMID:10973849;PMID:17053194;PMID:19114714;PMID:19716085;PMID:20031635;PMID:21129503;PMID:22539601). This is a literature report, and does not necessarily reflect the clinical interpretation of the Imperial College / Royal Brompton Cardiovascular Genetics laboratory.

Literature cited by the submitters: PubMed 10973849 (cited by 3 submitters); PubMed 20031635 (cited by 4 submitters); PubMed 21129503 (cited by 3 submitters); PubMed 22539601 (cited by 3 submitters); PubMed 17053194 (cited by 4 submitters); PubMed 19114714 (cited by 3 submitters); PubMed 29532034 (cited by Labcorp Genetics (formerly Invitae), Labcorp and Ambry Genetics); PubMed 22581653 (cited by Ambry Genetics and Cardiovascular Biomedical Research Unit, Royal Brompton & Harefield NHS Foundation Trust); PubMed 23098067 (cited by Ambry Genetics); PubMed 24052033 (cited by Ambry Genetics); PubMed 26019114 (cited by Ambry Genetics); PubMed 19632626 (cited by Victorian Clinical Genetics Services, Murdoch Childrens Research Institute); PubMed 20301308 (cited by Victorian Clinical Genetics Services, Murdoch Childrens Research Institute); PubMed 23158531 (cited by Victorian Clinical Genetics Services, Murdoch Childrens Research Institute); PubMed 25929701 (cited by Victorian Clinical Genetics Services, Murdoch Childrens Research Institute); PubMed 28438721 (cited by Victorian Clinical Genetics Services, Murdoch Childrens Research Institute); PubMed 19716085 (cited by Cardiovascular Biomedical Research Unit, Royal Brompton & Harefield NHS Foundation Trust).